The following is an entry in ClinVar:

ClinVar aggregate classification (germline): Uncertain significance. Review status: criteria provided, multiple submitters, no conflicts (2 of 4 stars). 2 submissions from 2 submitters: Uncertain significance (2). Last evaluated 2025-08-29.

Conditions:
Inborn genetic diseases. Identifiers: MedGen C0950123, MeSH D030342.

Allele frequency attached by ClinVar (database versions not stated): ExAC 0.00001; gnomAD exomes 0.00001; gnomAD 0.00004; TOPMed 0.00004.
gnomAD v4.1: 18 of 1,614,218 alleles (0.0011%); highest among the groups gnomAD compares: East Asian, 0.0022%; no homozygotes.

Submissions (2):

Labcorp Genetics (formerly Invitae), Labcorp
Classification: Uncertain significance. Last evaluated: 2025-08-29. Review status: criteria provided, single submitter. Criteria: Invitae Variant Classification Sherloc (09022015). Collection method: clinical testing. Allele origin: germline.
Comment: This sequence change replaces valine, which is neutral and non-polar, with alanine, which is neutral and non-polar, at codon 2375 of the FLNB protein (p.Val2375Ala). This variant is present in population databases (rs754640460, gnomAD 0.006%). This variant has not been reported in the literature in individuals affected with FLNB-related conditions. ClinVar contains an entry for this variant (Variation ID: 2416820). Invitae Evidence Modeling of protein sequence and biophysical properties (such as structural, functional, and spatial information, amino acid conservation, physicochemical variation, residue mobility, and thermodynamic stability) indicates that this missense variant is not expected to disrupt FLNB protein function with a negative predictive value of 80%. In summary, the available evidence is currently insufficient to determine the role of this variant in disease. Therefore, it has been classified as a Variant of Uncertain Significance.

Ambry Genetics
Classification: Uncertain significance for Inborn genetic diseases. Last evaluated: 2025-06-18. Review status: criteria provided, single submitter. Criteria: Ambry Variant Classification Scheme 2023. Collection method: clinical testing. Allele origin: germline.

NM_001457.4(FLNB):c.7124T>C (p.Val2375Ala)

Genes: FLNB (filamin B; plus strand), FLNB-AS1 (FLNB antisense RNA 1; minus strand). Cytogenetic location: 3p14.3.
Variant type: single nucleotide variant.
Coding change: c.7124T>C on transcript NM_001457.4 (MANE Select); coding-DNA position 7124, T replaced by C.
Protein change: p.Val2375Ala; replaces valine 2375 with alanine.
Molecular consequence: missense variant. On other transcripts: non-coding transcript variant (1).
Genome position (GRCh38, 1-based): chr3:58,163,256, T>C. VCF-style: chr3-58163256-T-C. GRCh37 (hg19) VCF-style: chr3-58148983-T-C.
Other names: c.7217T>C, p.Val2406Ala (NM_001164317.2); c.7091T>C, p.Val2364Ala (NM_001164318.2); c.7052T>C, p.Val2351Ala (NM_001164319.2); c.7124T>C (NM_001457.3); short protein forms V2351A, V2364A, V2375A, V2406A.
Identifiers: ClinVar variation 2416820 (VCV002416820.6), dbSNP rs754640460, ClinGen allele CA2469607.